The following is an entry in ClinVar:

ClinVar aggregate classification (germline): Likely benign. Review status: reviewed by expert panel (3 of 4 stars). 31 submissions from 30 submitters: Likely benign (1). 30 of the submissions do not count toward it. Last evaluated 2022-03-14.

Conditions:
Central core myopathy (CMYO1A). Also called: CONGENITAL MYOPATHY 1A, AUTOSOMAL DOMINANT, WITH SUSCEPTIBILITY TO MALIGNANT HYPERTHERMIA; Central core disease; Myopathy, central fibrillar. Identifiers: Orphanet 597, MedGen C5830701, MONDO:0007294, OMIM 117000.
Congenital multicore myopathy with external ophthalmoplegia (CMYO1B). Also called: Minicore myopathy with external ophthalmoplegia; MULTIMINICORE DISEASE WITH EXTERNAL OPHTHALMOPLEGIA; Congenital myopathy 1B, autosomal recessive; Minicore myopathy; MULTICORE MYOPATHY. Identifiers: Orphanet 598, Orphanet 98905, MedGen C1850674, MONDO:0009712, OMIM 255320, HP:0003789.
King Denborough syndrome (KDS). Identifiers: MedGen C1840365, MONDO:0020485, OMIM 619542.
Malignant hyperthermia, susceptibility to, 1 (MHS1). Also called: Anesthesia related hyperthermia; Malignant hyperpyrexia; Fulminating hyperpyrexia; Pharmacogenic myopathy; RYR1-Related Malignant Hyperthermia Susceptibility; Malignant hyperthermia suceptibility 1. Identifiers: Orphanet 423, MedGen C2930980, MONDO:0007783, OMIM 145600.
RYR1-related myopathy. Identifiers: Orphanet 98742, MedGen CN305348, MONDO:0100150.
RYR1-related disorder. Also called: RYR1-related disorders; RYR1-related condition. Identifiers: MedGen CN239331.
Congenital myopathy with fiber type disproportion. Also called: Congenital fiber-type disproportion myopathy; Congenital fiber-type disproportion. Identifiers: Orphanet 2020, MedGen C0546264, MONDO:0009711. Inheritance: all.
Multiminicore/minicore/multicore disease.

Allele frequency attached by ClinVar (database versions not stated): 1000 Genomes Project 30x 0.00156; gnomAD 0.00073; ESP Exome Variant Server 0.00085; 1000 Genomes Project 0.00200; TOPMed 0.00110.
gnomAD v4.1: 1,886 of 1,614,096 alleles (0.12%); highest among the groups gnomAD compares: Middle Eastern, 0.17%; 3 homozygotes.

Submissions 1 to 7 of 31:

ClinGen Malignant Hyperthermia Susceptibility Variant Curation Expert Panel, ClinGen
Classification: Likely benign for Malignant hyperthermia, susceptibility to, 1. Last evaluated: 2022-03-14. Review status: reviewed by expert panel. Criteria: RYR1-MHS Interpretation Guidelines V2. Collection method: curation. Allele origin: germline. Inheritance: Autosomal dominant inheritance.
Comment: This pathogenicity assessment is relevant only for malignant hyperthermia susceptibility (MHS) inherited in an autosomal dominant pattern. Variants in RYR1 can also cause other myopathies inherited in an autosomal dominant pattern or in an autosomal recessive pattern. Some of these disorders may predispose individuals to malignant hyperthermia. RYR1 variants may also contribute to a malignant hyperthermia reaction in combination with other genetic and non-genetic factors and the clinician needs to consider such factors in making management decisions. This sequence variant predicts a substitution of arginine with histidine at codon 3366 of the RYR1 protein, p.(Arg3366His). The maximum allele frequency for this variant among the six major gnomAD populations is NFE: 0.00135, this is considered to be more common than expected for a pathogenic variant causing autosomal dominantly inherited MHS, BS1. This variant has been reported in four unrelated individuals who have a personal or family history of a malignant hyperthermia reaction, all of these individuals had a positive in vitro contracture test (IVCT) or caffeine halothane contracture test (CHCT) result (if the proband was unavailable for testing, a positive diagnostic test result in a mutation-positive relative was counted) (PMID: 25958340, 25658027, 25735680). However, the high MAF in the NFE population in gnomAD precludes the use of PS4. No functional studies were identified for this variant. This variant does not reside in a hotspot for pathogenic variants that contribute to MHS. A REVEL score of 0.68 supports neither a pathogenic nor a benign status for this variant. This variant has been classified as Likely Benign. Criteria implemented: BS1.

CeGaT Center for Human Genetics Tuebingen
Classification: Likely benign. Last evaluated: 2026-08-01. Review status: criteria provided, single submitter. Criteria: CeGaT Center For Human Genetics Tuebingen Variant Classification Criteria Version 2. Collection method: clinical testing. Allele origin: germline. Affected: yes. Observed: 13 variant alleles. Not counted in ClinVar's aggregate classification.
Comment: RYR1: BS1

Labcorp Genetics (formerly Invitae), Labcorp
Classification: Uncertain significance for RYR1-related disorder. Last evaluated: 2026-02-02. Review status: criteria provided, single submitter. Criteria: Invitae Variant Classification Sherloc (09022015). Collection method: clinical testing. Allele origin: germline. Not counted in ClinVar's aggregate classification.
Comment: This sequence change replaces arginine, which is basic and polar, with histidine, which is basic and polar, at codon 3366 of the RYR1 protein (p.Arg3366His). This variant is present in population databases (rs137932199, gnomAD 0.1%), and has an allele count higher than expected for a pathogenic variant. Three missense variants, p.Ile1571Val, p.Arg3366His, and p.Tyr3933Cys, which includes this variant (p.Arg3366His), have been reported together in multiple individuals and families affected with RYR1-related disorders including malignant hyperthermia (MH) syndrome, congenital myopathy, central core disease (CCD), and multi minicore disease (MmD). In some cases, the phase of the three variants along with additional RYR1 variants was established, while in other cases it could not be determined. It is therefore unclear if one of the three variants or the additive effect of some or all of these mutations are causative for the RYR1-associated diseases in reported individuals (PMID: 25958340, 25735680, 25214167, 24950660, 25960145, 25658027, 21674524, 30611313). ClinVar contains an entry for this variant (Variation ID: 132990). Invitae Evidence Modeling of protein sequence and biophysical properties (such as structural, functional, and spatial information, amino acid conservation, physicochemical variation, residue mobility, and thermodynamic stability) indicates that this missense variant is not expected to disrupt RYR1 protein function with a negative predictive value of 80%. In summary, the available evidence is currently insufficient to determine the role of this variant in disease. Therefore, it has been classified as a Variant of Uncertain Significance.

GeneDx
Classification: Uncertain significance. Last evaluated: 2025-10-16. Review status: criteria provided, single submitter. Criteria: GeneDx Variant Classification Process June 2021. Collection method: clinical testing. Allele origin: germline. Affected: yes. Not counted in ClinVar's aggregate classification.
Comment: Y3933C and R3366H reported in cis, and in conjunction with an additional RYR1 variant on the opposite allele, have been reported in patients with core myopathies as well as malignant hyperthermia susceptibility in some cases (PMID: 25960145, 23919265, 25958340); Patients with only Y3933C and R3366H variants were reported to have malignant hyperthermia susceptibility or to be unaffected (PMID: 25958340, 25960145); In silico analysis supports that this missense variant has a deleterious effect on protein structure/function; This variant is associated with the following publications: (PMID: 28259615, 30611313, 30788618, 32125936, 24055113, 25658027, 25637381, 26332594, 23069638, 25747005, 24950660, 23919265, 25735680, 25214167, 21674524, 25958340, 22473935, 28269792, 30155738, 30932294, 31517061, 32236737, 32528171, 35428369, 34106485, 33646171, 35207755, 33726816, 34008892, 32403337, 25960145, 37937776, Hiraide2024[casereport], 37643885, 36628841, 36833224, 41009941)

Mayo Clinic Laboratories, Mayo Clinic
Classification: Uncertain significance. Last evaluated: 2025-09-26. Review status: criteria provided, single submitter. Criteria: ACMG Guidelines, 2015. Collection method: clinical testing. Allele origin: germline. Observed: 2 variant alleles. Not counted in ClinVar's aggregate classification.
Comment: PP3, PM2_supporting

3billion
Classification: Uncertain significance for RYR1-related disorder. Last evaluated: 2025-07-07. Review status: criteria provided, single submitter. Criteria: ACMG Guidelines, 2015. Collection method: clinical testing. Allele origin: germline. Affected: yes. Not counted in ClinVar's aggregate classification.
Comment: The variant is observed at an extremely low frequency in the gnomAD v4.1.0 dataset (total allele frequency: 0.117%). Predicted Consequence/Location: Missense variant In silico tool predictions suggest damaging effect of the variant on gene or gene product [REVEL: 0.68 (>=0.6, sensitivity 0.68 and specificity 0.92)]. The variant has been reported at least twice as benign with clinical assertions and evidence for the classification (ClinVar ID: VCV000132990). Therefore, this variant is classified as VUS according to the recommendation of ACMG/AMP guideline.

Women's Health and Genetics/Laboratory Corporation of America, LabCorp
Classification: Uncertain significance. Last evaluated: 2025-05-05. Review status: criteria provided, single submitter. Criteria: LabCorp Variant Classification Summary - May 2015. Collection method: clinical testing. Allele origin: germline. Not counted in ClinVar's aggregate classification.
Comment: Variant summary: RYR1 c.10097G>A (p.Arg3366His) results in a non-conservative amino acid change in the encoded protein sequence. Algorithms developed to predict the effect of missense changes on protein structure and function all suggest that this variant is likely to be disruptive. The variant allele was found at a frequency of 0.00088 in 251008 control chromosomes. This frequency is not significantly higher than estimated for a pathogenic variant in RYR1 causing Myopathy, RYR1-Associated, allowing no conclusion about variant significance. c.10097G>A has been reported in the literature in cis with c.4711A>G and c.11798A>G in individuals affected with RYR1-Associated Myopathy (malignant hyperthermia (MH), congenital myopathy, central core disease (CCD), and multi minicore disease (MmD) (examples: Duarte_2011, Rocha_2014, Savarese_2014, Fiszer_2015, Snoeck_2015, Gillies_2015, Kraeva_2015, Garibaldi_2019, Granger_2023). It is unclear if one of the three variants or the combined effect of these mutations are causative for the RYR1-associated diseases in reported individuals. The following publications have been ascertained in the context of this evaluation (PMID: 30611313, 21674524, 25658027, 25960145, 24950660, 25214167, 25735680, 25958340, 36628841). ClinVar contains an entry for this variant (Variation ID: 132990). Based on the evidence outlined above, the variant was classified as uncertain significance.

NM_000540.3(RYR1):c.10097G>A (p.Arg3366His)

Gene: RYR1 (ryanodine receptor 1; plus strand). Cytogenetic location: 19q13.2.
Variant type: single nucleotide variant.
Coding change: c.10097G>A on transcript NM_000540.3 (MANE Select); coding-DNA position 10097, G replaced by A.
Protein change: p.Arg3366His; replaces arginine 3366 with histidine.
Molecular consequence: missense variant.
Genome position (GRCh38, 1-based): chr19:38,519,292, G>A. VCF-style: chr19-38519292-G-A. GRCh37 (hg19) VCF-style: chr19-39009932-G-A.
Other names: NM_000540.2(RYR1):c.10097G>A; c.10097G>A, p.Arg3366His (NM_001042723.2); short protein forms R3366H.
Identifiers: ClinVar variation 132990 (VCV000132990.81), dbSNP rs137932199, ClinGen allele CA023812.